The following is an entry in ClinVar:

NM_007294.4(BRCA1):c.4552C>A (p.Gln1518Lys)

Gene: BRCA1 (BRCA1 DNA repair associated; minus strand). Cytogenetic location: 17q21.31.
Variant type: single nucleotide variant.
Coding change: c.4552C>A on transcript NM_007294.4 (MANE Select); coding-DNA position 4552, C replaced by A.
Protein change: p.Gln1518Lys; replaces glutamine 1518 with lysine.
Molecular consequence: missense variant. On other transcripts: non-coding transcript variant (1).
Genome position (GRCh38, 1-based): chr17:43,074,454, G>T on the plus strand (C>A on the coding strand, the complement: BRCA1 is on the minus strand). VCF-style: chr17-43074454-G-T. GRCh37 (hg19) VCF-style: chr17-41226471-G-T.
Other names: c.4339C>A, p.Gln1447Lys (NM_001407571.1, NM_001407894.1, NM_001407895.1 and 12 more transcripts); c.4618C>A, p.Gln1540Lys (NM_001407581.1, NM_001407582.1); c.4615C>A, p.Gln1539Lys (NM_001407583.1, NM_001407585.1, NM_001407587.1 and 1 more transcripts); c.4612C>A, p.Gln1538Lys (NM_001407590.1, NM_001407591.1); c.4552C>A, p.Gln1518Lys (NM_001407593.1, NM_001407594.1, NM_001407596.1 and 8 more transcripts); c.4549C>A, p.Gln1517Lys (NM_001407610.1, NM_001407611.1, NM_001407612.1 and 17 more transcripts); c.4546C>A, p.Gln1516Lys (NM_001407627.1, NM_001407628.1, NM_001407629.1 and 14 more transcripts); c.4543C>A, p.Gln1515Lys (NM_001407644.1, NM_001407645.1); and 68 more; short protein forms Q1518K, Q1539K, Q414K, Q1471K, Q1349K, Q1390K, Q1429K, Q1446K.
Identifiers: ClinVar variation 232176 (VCV000232176.20), dbSNP rs80356881, ClinGen allele CA10580518.

ClinVar aggregate classification (germline): Uncertain significance. Review status: criteria provided, multiple submitters, no conflicts (2 of 4 stars). 4 submissions from 4 submitters: Uncertain significance (4). Last evaluated 2025-03-11.

Conditions:
Hereditary cancer-predisposing syndrome. Also called: Neoplastic Syndromes, Hereditary; Tumor predisposition; Hereditary Cancer Syndrome; Hereditary neoplastic syndrome. Identifiers: Orphanet 140162, MedGen C0027672, MeSH D009386, MONDO:0015356.
Hereditary breast ovarian cancer syndrome. Also called: BRCA1- and BRCA2-Associated Hereditary Breast and Ovarian Cancer; Hereditary breast and ovarian cancer syndrome; Hereditary breast and ovarian cancer; Hereditary breast and ovarian cancer syndrome (HBOC); Breast and ovarian cancer; Hereditary breast and/or ovarian cancer syndrome. Identifiers: Orphanet 145, MedGen C0677776, MeSH D061325, MONDO:0003582. Disease mechanism: loss of function.

gnomAD v4.1: 2 of 1,614,108 alleles (0.00012%); highest among the groups gnomAD compares: Non-Finnish European, 0.00017%; no homozygotes.

Submissions (4):

Ambry Genetics
Classification: Uncertain significance for Hereditary cancer-predisposing syndrome. Last evaluated: 2025-03-11. Review status: criteria provided, single submitter. Criteria: Ambry Variant Classification Scheme 2023. Collection method: clinical testing. Allele origin: germline.
Comment: The p.Q1518K variant (also known as c.4552C>A), located in coding exon 13 of the BRCA1 gene, results from a C to A substitution at nucleotide position 4552. The glutamine at codon 1518 is replaced by lysine, an amino acid with similar properties. This amino acid position is well conserved in available vertebrate species. In addition, the in silico prediction for this alteration is inconclusive. Since supporting evidence is limited at this time, the clinical significance of this alteration remains unclear.

Color Diagnostics, LLC DBA Color Health
Classification: Uncertain significance for Hereditary cancer-predisposing syndrome. Last evaluated: 2023-07-24. Review status: criteria provided, single submitter. Criteria: ACMG Guidelines, 2015. Collection method: clinical testing. Allele origin: germline.
Comment: This missense variant replaces glutamine with lysine at codon 1518 of the BRCA1 protein. Computational prediction is inconclusive regarding the impact of this variant on protein structure and function (internally defined REVEL score threshold 0.5 < inconclusive < 0.7, PMID: 27666373). A functional study has shown that this variant does not impact sensitivity to PARP inhibitors nor homology-directed DNA repair activity (PMID: 32546644). To our knowledge, this variant has not been reported in individuals affected with BRCA1-related disorders in the literature. This variant has not been identified in the general population by the Genome Aggregation Database (gnomAD). The available evidence is insufficient to determine the role of this variant in disease conclusively. Therefore, this variant is classified as a Variant of Uncertain Significance.

Labcorp Genetics (formerly Invitae), Labcorp
Classification: Uncertain significance for Hereditary breast ovarian cancer syndrome. Last evaluated: 2022-12-03. Review status: criteria provided, single submitter. Criteria: Invitae Variant Classification Sherloc (09022015). Collection method: clinical testing. Allele origin: germline.
Comment: In summary, the available evidence is currently insufficient to determine the role of this variant in disease. Therefore, it has been classified as a Variant of Uncertain Significance. Advanced modeling of protein sequence and biophysical properties (such as structural, functional, and spatial information, amino acid conservation, physicochemical variation, residue mobility, and thermodynamic stability) performed at Invitae indicates that this missense variant is not expected to disrupt BRCA1 protein function. ClinVar contains an entry for this variant (Variation ID: 232176). This variant has not been reported in the literature in individuals affected with BRCA1-related conditions. This variant is not present in population databases (gnomAD no frequency). This sequence change replaces glutamine, which is neutral and polar, with lysine, which is basic and polar, at codon 1518 of the BRCA1 protein (p.Gln1518Lys).

GeneDx
Classification: Uncertain significance. Last evaluated: 2017-10-25. Review status: criteria provided, single submitter. Criteria: GeneDx Variant Classification (06012015). Collection method: clinical testing. Allele origin: germline. Affected: yes.
Comment: This variant is denoted BRCA1 c.4552C>A at the cDNA level, p.Gln1518Lys (Q1518K) at the protein level, and results in the change of a Glutamine to a Lysine (CAG>AAG). Using alternate nomenclature, this variant would be defined as BRCA1 4671C>A. This variant has been identified in at least one individual with a personal and/or family history of breast and/or ovarian cancer (Sibille-Hoang 1998). BRCA1 Gln1518Lys was not observed in large population cohorts (Lek 2016). Since Glutamine and Lysine differ in some properties, this is considered a semi-conservative amino acid substitution. BRCA1 Gln1518Lys occurs at a position that is not conserved and is located in the SCD domain and in a region known to interact with multiple other proteins (Narod 2004, Clark 2012, Paul 2014). In silico analyses are inconsistent regarding the effect this variant may have on protein structure and function. Based on currently available evidence, it is unclear whether BRCA1 Gln1518Lys is a pathogenic or benign variant. We consider it to be a variant of uncertain significance.

Literature cited by the submitters: PubMed 32546644 (cited by Color Diagnostics, LLC DBA Color Health).